The following is an entry in ClinVar:

NM_000548.5(TSC2):c.3188G>A (p.Gly1063Glu)

Gene: TSC2 (TSC complex subunit 2; plus strand). Cytogenetic location: 16p13.3.
Variant type: single nucleotide variant.
Coding change: c.3188G>A on transcript NM_000548.5 (MANE Select); coding-DNA position 3188, G replaced by A.
Protein change: p.Gly1063Glu; replaces glycine 1063 with glutamic acid.
Molecular consequence: missense variant.
Genome position (GRCh38, 1-based): chr16:2,079,332, G>A. VCF-style: chr16-2079332-G-A. GRCh37 (hg19) VCF-style: chr16-2129333-G-A.
Other names: c.3056G>A, p.Gly1019Glu (NM_001077183.3, NM_001370404.1); c.3188G>A, p.Gly1063Glu (NM_001114382.3); c.2948G>A, p.Gly983Glu (NM_001318827.2); c.2912G>A, p.Gly971Glu (NM_001318829.2); c.2456G>A, p.Gly819Glu (NM_001318831.2); c.3089G>A, p.Gly1030Glu (NM_001318832.2); c.3059G>A, p.Gly1020Glu (NM_001363528.2, NM_001370405.1, NM_021055.3); short protein forms G819E, G983E, G1020E, G971E, G1019E, G1030E, G1063E.
Identifiers: ClinVar variation 839912 (VCV000839912.10), dbSNP rs2089828784, ClinGen allele CA394285586.

ClinVar aggregate classification (germline): Uncertain significance. Review status: criteria provided, multiple submitters, no conflicts (2 of 4 stars). 2 submissions from 2 submitters: Uncertain significance (2). Last evaluated 2026-07-06.

Conditions:
Hereditary cancer-predisposing syndrome. Also called: Tumor predisposition; Hereditary neoplastic syndrome; Neoplastic Syndromes, Hereditary; Hereditary Cancer Syndrome. Identifiers: Orphanet 140162, MedGen C0027672, MeSH D009386, MONDO:0015356.
Tuberous sclerosis 2 (TSC2). Identifiers: Orphanet 805, MedGen C1860707, MONDO:0013199, OMIM 613254.

Allele frequency attached by ClinVar (database versions not stated): gnomAD exomes below 0.00001.
gnomAD v4.1: 1 of 1,613,070 alleles (0.000062%); highest among the groups gnomAD compares: Non-Finnish European, 0.000085%; no homozygotes.

Submissions (2):

Ambry Genetics
Classification: Uncertain significance for Hereditary cancer-predisposing syndrome. Last evaluated: 2026-07-06. Review status: criteria provided, single submitter. Criteria: Ambry Variant Classification Scheme 2023. Collection method: clinical testing. Allele origin: germline.
Comment: The p.G1063E variant (also known as c.3188G>A), located in coding exon 27 of the TSC2 gene, results from a G to A substitution at nucleotide position 3188. The glycine at codon 1063 is replaced by glutamic acid, an amino acid with similar properties. This amino acid position is conserved. In addition, this alteration is predicted to be deleterious by in silico analysis. Based on the available evidence, the clinical significance of this variant remains unclear.

Labcorp Genetics (formerly Invitae), Labcorp
Classification: Uncertain significance for Tuberous sclerosis 2. Last evaluated: 2025-05-30. Review status: criteria provided, single submitter. Criteria: Invitae Variant Classification Sherloc (09022015). Collection method: clinical testing. Allele origin: germline.
Comment: This sequence change replaces glycine, which is neutral and non-polar, with glutamic acid, which is acidic and polar, at codon 1063 of the TSC2 protein (p.Gly1063Glu). This variant is not present in population databases (gnomAD no frequency). This variant has not been reported in the literature in individuals affected with TSC2-related conditions. ClinVar contains an entry for this variant (Variation ID: 839912). Invitae Evidence Modeling of protein sequence and biophysical properties (such as structural, functional, and spatial information, amino acid conservation, physicochemical variation, residue mobility, and thermodynamic stability) indicates that this missense variant is expected to disrupt TSC2 protein function with a positive predictive value of 95%. In summary, the available evidence is currently insufficient to determine the role of this variant in disease. Therefore, it has been classified as a Variant of Uncertain Significance.